The following is an entry in ClinVar:

NC_000002.11:g.(?_166198786)_(166201441_?)del

Gene: SCN2A (sodium voltage-gated channel alpha subunit 2; plus strand). Cytogenetic location: 2q24.3.
Variant type: Deletion.
Identifiers: ClinVar variation 3247239 (VCV003247239.1).

ClinVar aggregate classification (germline): Pathogenic (1 of 4 stars; one submission).

Conditions:
Developmental and epileptic encephalopathy, 11 (DEE11). Also called: Early infantile epileptic encephalopathy 11. Identifiers: Orphanet 1934, MedGen C3150987, MONDO:0013388, OMIM 613721.
Seizures, benign familial infantile, 3 (BFIS3). Also called: CONVULSIONS, BENIGN FAMILIAL INFANTILE, 3; Familial neonatal seizures. Identifiers: Orphanet 140927, Orphanet 306, MedGen C1843140, MONDO:0011904, OMIM 607745.

Submission:

Labcorp Genetics (formerly Invitae), Labcorp
Classification: Pathogenic for Seizures, benign familial infantile, 3; Developmental and epileptic encephalopathy, 11. Last evaluated: 2023-04-20. Review status: criteria provided, single submitter. Criteria: Invitae Variant Classification Sherloc (09022015). Collection method: clinical testing. Allele origin: unknown.
Comment: For these reasons, this variant has been classified as Pathogenic. This variant disrupts a region of the SCN2A protein in which other variant(s) (p.Arg853Gln) have been determined to be pathogenic (PMID: 23935176, 25772804, 28379373, 29186148). This suggests that this is a clinically significant region of the protein, and that variants that disrupt it are likely to be disease-causing. A similar copy number variant has been observed in individual(s) with clinical features of SCN2A-related conditions (PMID: 32477112). This variant is a gross deletion of the genomic region encompassing exon(s) 15-16 of the SCN2A gene. This variant would be expected to be in-frame, preserving the integrity of the reading frame.

Literature cited by the submitters: PubMed 23935176; PubMed 25772804; PubMed 28379373; PubMed 29186148; PubMed 32477112.